The following is an entry in ClinVar:

ClinVar aggregate classification (germline): Uncertain significance. Review status: criteria provided, multiple submitters, no conflicts (2 of 4 stars). 2 submissions from 2 submitters: Uncertain significance (2). Last evaluated 2025-12-04.

Submissions (2):

Labcorp Genetics (formerly Invitae), Labcorp
Classification: Uncertain significance. Last evaluated: 2025-12-04. Review status: criteria provided, single submitter. Criteria: Invitae Variant Classification Sherloc (09022015). Collection method: clinical testing. Allele origin: germline.
Comment: This sequence change replaces proline, which is neutral and non-polar, with leucine, which is neutral and non-polar, at codon 441 of the TAF6 protein (p.Pro441Leu). This variant is present in population databases (rs147878660, gnomAD 0.01%). This variant has not been reported in the literature in individuals affected with TAF6-related conditions. Invitae Evidence Modeling of protein sequence and biophysical properties (such as structural, functional, and spatial information, amino acid conservation, physicochemical variation, residue mobility, and thermodynamic stability) indicates that this missense variant is not expected to disrupt TAF6 protein function with a negative predictive value of 80%. In summary, the available evidence is currently insufficient to determine the role of this variant in disease. Therefore, it has been classified as a Variant of Uncertain Significance.

Blueprint Genetics
Classification: Uncertain significance. Last evaluated: 2023-07-18. Review status: criteria provided, single submitter. Criteria: ACMG Guidelines, 2015. Collection method: clinical testing. Allele origin: germline.

NM_139315.3(TAF6):c.1322C>T (p.Pro441Leu)

Genes: AP4M1 (adaptor related protein complex 4 subunit mu 1; plus strand), TAF6 (TATA-box binding protein associated factor 6; minus strand). Cytogenetic location: 7q22.1.
Variant type: single nucleotide variant.
Coding change: c.1322C>T on transcript NM_139315.3 (MANE Select); coding-DNA position 1322, C replaced by T.
Protein change: p.Pro441Leu; replaces proline 441 with leucine.
Molecular consequence: missense variant. On other transcripts: non-coding transcript variant (2), 3 prime UTR variant (11).
Genome position (GRCh38, 1-based): chr7:100,108,503, G>A on the plus strand (C>T on the coding strand, the complement: TAF6 is on the minus strand). VCF-style: chr7-100108503-G-A. GRCh37 (hg19) VCF-style: chr7-99706126-G-A.
Other names: c.1433C>T, p.Pro478Leu (NM_001190415.2); c.1322C>T, p.Pro441Leu (NM_001364998.1, NM_001364999.1, NM_005641.4); c.1292C>T, p.Pro431Leu (NM_001365000.1, NM_001365001.1, NM_001365002.1 and 1 more transcripts); c.1460C>T, p.Pro487Leu (NM_001365004.1); c.*1621G>A (NM_001363671.2, NM_001438824.1, NM_001438825.1 and 8 more transcripts); short protein forms P431L, P487L, P441L, P478L.
Identifiers: ClinVar variation 4752017 (VCV004752017.2).